The following is an entry in ClinVar:

NM_000094.4(COL7A1):c.495del (p.Gln166fs)

Gene: COL7A1 (collagen type VII alpha 1 chain; minus strand). Cytogenetic location: 3p21.31.
Variant type: Deletion.
Coding change: c.495del on transcript NM_000094.4 (MANE Select); coding-DNA position 495, one base deleted (G; older notation c.495delG).
Protein change: p.Gln166fs; shifts the reading frame from glutamine 166.
Molecular consequence: frameshift variant.
Genome position (GRCh38, 1-based): chr3:48,593,381, C deleted on the plus strand (G on the coding strand, the reverse complement: COL7A1 is on the minus strand); the first of 4 consecutive C bases (chr3:48,593,381-48,593,384); deleting any one gives the same sequence. VCF-style (leftmost placement, unchanged base first): chr3-48593380-GC-G. GRCh37 (hg19) VCF-style: chr3-48630813-GC-G.
Other names: short protein forms Q166fs.
Identifiers: ClinVar variation 2802827 (VCV002802827.3), dbSNP rs2531347369, ClinGen allele CA2739278136.

ClinVar aggregate classification (germline): Pathogenic (1 of 4 stars; one submission).

Submission:

Labcorp Genetics (formerly Invitae), Labcorp
Classification: Pathogenic. Last evaluated: 2023-11-13. Review status: criteria provided, single submitter. Criteria: Invitae Variant Classification Sherloc (09022015). Collection method: clinical testing. Allele origin: germline.
Comment: This sequence change creates a premature translational stop signal (p.Gln166Argfs*18) in the COL7A1 gene. It is expected to result in an absent or disrupted protein product. Loss-of-function variants in COL7A1 are known to be pathogenic (PMID: 16971478). This variant is not present in population databases (gnomAD no frequency). This variant has not been reported in the literature in individuals affected with COL7A1-related conditions. For these reasons, this variant has been classified as Pathogenic.

Literature cited by the submitters: PubMed 16971478.